The following is an entry in ClinVar:

NM_006509.4(RELB):c.1336C>A (p.Leu446Met)

Gene: RELB (RELB proto-oncogene, NF-kB subunit; plus strand). Cytogenetic location: 19q13.32.
Variant type: single nucleotide variant.
Coding change: c.1336C>A on transcript NM_006509.4 (MANE Select); coding-DNA position 1336, C replaced by A.
Protein change: p.Leu446Met; replaces leucine 446 with methionine.
Molecular consequence: missense variant.
Genome position (GRCh38, 1-based): chr19:45,034,510, C>A. VCF-style: chr19-45034510-C-A. GRCh37 (hg19) VCF-style: chr19-45537768-C-A.
Other names: c.1327C>A, p.Leu443Met (NM_001411087.1); short protein forms L443M, L446M.
Identifiers: ClinVar variation 2802895 (VCV002802895.3), dbSNP rs776703550, ClinGen allele CA9507831.

ClinVar aggregate classification (germline): Uncertain significance (1 of 4 stars; one submission).

Allele frequency attached by ClinVar (database versions not stated): gnomAD exomes 0.00001; ExAC 0.00004.
gnomAD v4.1: 5 of 1,606,314 alleles (0.00031%); highest among the groups gnomAD compares: South Asian, 0.0056%; no homozygotes.

Submission:

Labcorp Genetics (formerly Invitae), Labcorp
Classification: Uncertain significance. Last evaluated: 2023-09-08. Review status: criteria provided, single submitter. Criteria: Invitae Variant Classification Sherloc (09022015). Collection method: clinical testing. Allele origin: germline.
Comment: An algorithm developed to predict the effect of missense changes on protein structure and function (PolyPhen-2) suggests that this variant is likely to be disruptive. In summary, the available evidence is currently insufficient to determine the role of this variant in disease. Therefore, it has been classified as a Variant of Uncertain Significance. This variant has not been reported in the literature in individuals affected with RELB-related conditions. The frequency data for this variant in the population databases is considered unreliable, as metrics indicate poor data quality at this position in the gnomAD database. This sequence change replaces leucine, which is neutral and non-polar, with methionine, which is neutral and non-polar, at codon 446 of the RELB protein (p.Leu446Met).